The following is an entry in ClinVar:

ClinVar aggregate classification (germline): Uncertain significance. Review status: criteria provided, multiple submitters, no conflicts (2 of 4 stars). 2 submissions from 2 submitters: Uncertain significance (2). Last evaluated 2024-04-03.

Conditions:
Familial Mediterranean fever (FMF). Also called: POLYSEROSITIS, FAMILIAL PAROXYSMAL; POLYSEROSITIS, RECURRENT; Periodic peritonitis; Benign paroxysmal peritonitis. Identifiers: Orphanet 342, MedGen C0031069, MONDO:0018088, OMIM 249100. Disease mechanism: gain of function.
Familial Mediterranean fever, autosomal dominant. Also called: FMF, AUTOSOMAL DOMINANT; Dominant Familial Mediterranean Fever. Identifiers: Orphanet 342, MedGen C1851347, MONDO:0007601, OMIM 134610.
Acute febrile neutrophilic dermatosis (AFND). Also called: Sweet Syndrome; Gomm Button disease. Identifiers: Orphanet 3243, MedGen C0085077, MONDO:0011959, OMIM 608068.

Allele frequency attached by ClinVar (database versions not stated): TOPMed below 0.00001; gnomAD 0.00001; gnomAD exomes below 0.00001.
gnomAD v4.1: 4 of 1,613,542 alleles (0.00025%); highest among the groups gnomAD compares: African/African-American, 0.0053%; no homozygotes.

Submissions (2):

Fulgent Genetics
Classification: Uncertain significance for Familial Mediterranean fever, autosomal dominant; Familial Mediterranean fever; Acute febrile neutrophilic dermatosis. Last evaluated: 2024-04-03. Review status: criteria provided, single submitter. Criteria: ACMG Guidelines, 2015. Collection method: clinical testing. Allele origin: germline.

Labcorp Genetics (formerly Invitae), Labcorp
Classification: Uncertain significance for Familial Mediterranean fever. Last evaluated: 2021-09-24. Review status: criteria provided, single submitter. Criteria: Invitae Variant Classification Sherloc (09022015). Collection method: clinical testing. Allele origin: germline.
Comment: This sequence change replaces glycine with arginine at codon 777 of the MEFV protein (p.Gly777Arg). The glycine residue is weakly conserved and there is a moderate physicochemical difference between glycine and arginine. This variant is not present in population databases (ExAC no frequency). This variant has not been reported in the literature in individuals with MEFV-related conditions. Algorithms developed to predict the effect of missense changes on protein structure and function output the following: SIFT: "Tolerated"; PolyPhen-2: "Benign"; Align-GVGD: "Class C0". The arginine amino acid residue is found in multiple mammalian species, suggesting that this missense change does not adversely affect protein function. These predictions have not been confirmed by published functional studies and their clinical significance is uncertain. In summary, the available evidence is currently insufficient to determine the role of this variant in disease. Therefore, it has been classified as a Variant of Uncertain Significance.

NM_000243.3(MEFV):c.2329G>C (p.Gly777Arg)

Gene: MEFV (MEFV innate immunity regulator, pyrin; minus strand). Cytogenetic location: 16p13.3.
Variant type: single nucleotide variant.
Coding change: c.2329G>C on transcript NM_000243.3 (MANE Select); coding-DNA position 2329, G replaced by C.
Protein change: p.Gly777Arg; replaces glycine 777 with arginine.
Molecular consequence: missense variant. On other transcripts: 3 prime UTR variant (1).
Genome position (GRCh38, 1-based): chr16:3,243,158, C>G on the plus strand (G>C on the coding strand, the complement: MEFV is on the minus strand). VCF-style: chr16-3243158-C-G. GRCh37 (hg19) VCF-style: chr16-3293158-C-G.
Other names: c.*533G>C (NM_001198536.2); short protein forms G777R.
Identifiers: ClinVar variation 1952434 (VCV001952434.3), dbSNP rs573854615, ClinGen allele CA394484279.